The following is an entry in ClinVar:

NM_198241.3(EIF4G1):c.3685C>G (p.Pro1229Ala)

Gene: EIF4G1 (eukaryotic translation initiation factor 4 gamma 1; plus strand). Cytogenetic location: 3q27.1.
Variant type: single nucleotide variant.
Coding change: c.3685C>G on transcript NM_198241.3 (MANE Select); coding-DNA position 3685, C replaced by G.
Protein change: p.Pro1229Ala; replaces proline 1229 with alanine.
Molecular consequence: missense variant.
Genome position (GRCh38, 1-based): chr3:184,327,609, C>G. VCF-style: chr3-184327609-C-G. GRCh37 (hg19) VCF-style: chr3-184045397-C-G.
Other names: p.Pro1229Ala; c.3706C>G, p.Pro1236Ala (NM_001194946.2, NM_001194947.2); c.3565C>G, p.Pro1189Ala (NM_001291157.2); c.3100C>G, p.Pro1034Ala (NM_004953.5); c.3688C>G, p.Pro1230Ala (NM_182917.4); c.3193C>G, p.Pro1065Ala (NM_198242.3); c.3424C>G, p.Pro1142Ala (NM_198244.3); short protein forms P1034A, P1065A, P1189A, P1236A, P1142A, P1229A, P1230A.
Identifiers: ClinVar variation 787531 (VCV000787531.33), dbSNP rs35629949, ClinGen allele CA2732893.

ClinVar aggregate classification (germline): Benign/Likely benign. Review status: criteria provided, multiple submitters, no conflicts (2 of 4 stars). 8 submissions from 8 submitters: Benign (1); Likely benign (4). 3 of the submissions do not count toward it. Last evaluated 2026-07-01.

Conditions:
EIF4G1-related disorder. Also called: EIF4G1-related condition.

Allele frequency attached by ClinVar (database versions not stated): 1000 Genomes Project 30x 0.00125; 1000 Genomes Project 0.00140; TOPMed 0.00323; ESP Exome Variant Server 0.00415.
gnomAD v4.1: 7,013 of 1,614,162 alleles (0.43%); highest among the groups gnomAD compares: Non-Finnish European, 0.51%; 16 homozygotes.

Submissions (8):

CeGaT Center for Human Genetics Tuebingen
Classification: Likely benign. Last evaluated: 2026-07-01. Review status: criteria provided, single submitter. Criteria: CeGaT Center For Human Genetics Tuebingen Variant Classification Criteria Version 2. Collection method: clinical testing. Allele origin: germline. Affected: yes. Observed: 7 variant alleles.
Comment: EIF4G1: BP4, BS2

Blueprint Genetics
Classification: Likely benign. Last evaluated: 2024-11-23. Review status: criteria provided, single submitter. Criteria: ACMG Guidelines, 2015. Collection method: clinical testing. Allele origin: germline.

Mayo Clinic Laboratories, Mayo Clinic
Classification: Benign. Last evaluated: 2023-04-20. Review status: criteria provided, single submitter. Criteria: ACMG Guidelines, 2015. Collection method: clinical testing. Allele origin: germline. Observed: 8 variant alleles.
Comment: BS1, BS2, BP4

Labcorp Genetics (formerly Invitae), Labcorp
Classification: Likely benign. Last evaluated: 2019-12-31. Review status: criteria provided, single submitter. Criteria: Invitae Variant Classification Sherloc (09022015). Collection method: clinical testing. Allele origin: germline.

Breakthrough Genomics
Classification: Likely benign. Review status: criteria provided, single submitter. Criteria: ACMG Guidelines, 2015. Collection method: not provided. Allele origin: germline. Inheritance: Autosomal dominant inheritance. Affected: yes.

PreventionGenetics, part of Exact Sciences
Classification: Benign for EIF4G1-related condition. Last evaluated: 2019-07-10. Review status: no assertion criteria provided. Collection method: clinical testing. Allele origin: germline. Not counted in ClinVar's aggregate classification.
Comment: This variant is classified as benign based on ACMG/AMP sequence variant interpretation guidelines (Richards et al. 2015 PMID: 25741868, with internal and published modifications).

Clinical Genetics DNA and cytogenetics Diagnostics Lab, Erasmus MC, Erasmus Medical Center
Classification: Likely benign. Review status: no assertion criteria provided. Collection method: clinical testing. Allele origin: germline. Affected: yes. Study: VKGL Data-share Consensus. Not counted in ClinVar's aggregate classification.

Genome Diagnostics Laboratory, Amsterdam University Medical Center
Classification: Likely benign. Review status: no assertion criteria provided. Collection method: clinical testing. Allele origin: germline. Affected: yes. Study: VKGL Data-share Consensus. Not counted in ClinVar's aggregate classification.

Literature cited by the submitters: PubMed 32707456 (cited by Mayo Clinic Laboratories, Mayo Clinic).